The following is an entry in ClinVar:

NM_032801.5(JAM3):c.14G>A (p.Arg5Gln)

Gene: JAM3 (junctional adhesion molecule 3; plus strand). Cytogenetic location: 11q25.
Variant type: single nucleotide variant.
Coding change: c.14G>A on transcript NM_032801.5 (MANE Select); coding-DNA position 14, G replaced by A.
Protein change: p.Arg5Gln; replaces arginine 5 with glutamine.
Molecular consequence: missense variant.
Genome position (GRCh38, 1-based): chr11:134,069,097, G>A. VCF-style: chr11-134069097-G-A. GRCh37 (hg19) VCF-style: chr11-133938992-G-A.
Other names: c.14G>A, p.Arg5Gln (NM_001205329.2); short protein forms R5Q.
Identifiers: ClinVar variation 2099545 (VCV002099545.4), dbSNP rs2497161389, ClinGen allele CA383663925.

ClinVar aggregate classification (germline): Uncertain significance (1 of 4 stars; one submission).

gnomAD v4.1: 1 of 1,611,628 alleles (0.000062%); highest among the groups gnomAD compares: Non-Finnish European, 0.000085%; no homozygotes.

Submission:

Labcorp Genetics (formerly Invitae), Labcorp
Classification: Uncertain significance. Last evaluated: 2023-12-11. Review status: criteria provided, single submitter. Criteria: Invitae Variant Classification Sherloc (09022015). Collection method: clinical testing. Allele origin: germline.
Comment: This sequence change replaces arginine, which is basic and polar, with glutamine, which is neutral and polar, at codon 5 of the JAM3 protein (p.Arg5Gln). This variant is not present in population databases (gnomAD no frequency). This variant has not been reported in the literature in individuals affected with JAM3-related conditions. ClinVar contains an entry for this variant (Variation ID: 2099545). Experimental studies and prediction algorithms are not available or were not evaluated, and the functional significance of this variant is currently unknown. In summary, the available evidence is currently insufficient to determine the role of this variant in disease. Therefore, it has been classified as a Variant of Uncertain Significance.